The following is an entry in ClinVar:

NM_001370259.2(MEN1):c.1252G>A (p.Asp418Asn)

Gene: MEN1 (menin 1; minus strand). Cytogenetic location: 11q13.1.
Variant type: single nucleotide variant.
Coding change: c.1252G>A on transcript NM_001370259.2 (MANE Select); coding-DNA position 1252, G replaced by A.
Protein change: p.Asp418Asn; replaces aspartic acid 418 with asparagine.
Molecular consequence: missense variant.
Genome position (GRCh38, 1-based): chr11:64,805,132, C>T on the plus strand (G>A on the coding strand, the complement: MEN1 is on the minus strand). VCF-style: chr11-64805132-C-T. GRCh37 (hg19) VCF-style: chr11-64572604-C-T.
Other names: c.1267G>A, p.Asp423Asn (NM_000244.4, NM_130800.3, NM_130801.3 and 3 more transcripts); c.1378G>A, p.Asp460Asn (NM_001370251.2); c.1252G>A, p.Asp418Asn (NM_001370260.2, NM_001370261.2, NM_130799.3); c.1147G>A, p.Asp383Asn (NM_001370262.2, NM_001370263.2); short protein forms D418N, D423N, D383N, D460N.
Identifiers: ClinVar variation 16703 (VCV000016703.36), dbSNP rs104894264, ClinGen allele CA009084.

ClinVar aggregate classification (germline): Pathogenic. Review status: criteria provided, multiple submitters, no conflicts (2 of 4 stars). 14 submissions from 14 submitters: Pathogenic (13). 1 of the submissions does not count toward it. Last evaluated 2026-08-28.

Conditions:
MEN1-related disorder. Also called: MEN1-related condition.
Hereditary cancer-predisposing syndrome. Also called: Hereditary neoplastic syndrome; Neoplastic Syndromes, Hereditary; Hereditary Cancer Syndrome; Tumor predisposition. Identifiers: Orphanet 140162, MedGen C0027672, MeSH D009386, MONDO:0015356.
Multiple endocrine neoplasia, type 1 (MEN1). Also called: Endocrine adenomatosis multiple; MEN 1; MEN I; WERMER SYNDROME; MEA I. Identifiers: Orphanet 652, MedGen C0025267, MeSH D018761, MONDO:0007540, OMIM 131100.

Submissions 1 to 10 of 14:

Myriad Genetics, Inc.
Classification: Pathogenic for Multiple endocrine neoplasia, type 1. Last evaluated: 2026-08-28. Review status: criteria provided, single submitter. Criteria: Myriad Autosomal Dominant, Autosomal Recessive and X-Linked Classification Criteria (2023). Collection method: clinical testing. Allele origin: unknown.
Comment: This variant is considered pathogenic. Functional studies indicate this variant impacts protein function [PMID: 21819486, 15254225]. This variant has been reported in multiple individuals with clinical features of gene-specific disease [PMID: 11303512, 29097378, 30339208, 26905068, 28870973].

Center for Genomic Medicine, Rigshospitalet, Copenhagen University Hospital
Classification: Pathogenic. Last evaluated: 2025-12-29. Review status: criteria provided, single submitter. Criteria: ACMG Guidelines, 2015. Collection method: clinical testing. Allele origin: germline.

Women's Health and Genetics/Laboratory Corporation of America, LabCorp
Classification: Pathogenic for Multiple endocrine neoplasia, type 1. Last evaluated: 2025-11-25. Review status: criteria provided, single submitter. Criteria: LabCorp Variant Classification Summary - May 2015. Collection method: clinical testing. Allele origin: germline.
Comment: Variant summary: MEN1 c.1252G>A (p.Asp418Asn) results in a conservative amino acid change in the encoded protein sequence. Algorithms developed to predict the effect of missense changes on protein structure and function are either unavailable or do not agree on the potential impact of this missense change. The variant was absent in 251150 control chromosomes. c.1252G>A has been observed in the heterozygous state in multiple individuals affected with Multiple Endocrine Neoplasia Type 1 (example, Bassett_1998, Kytola_2001), including at least 1 family where it segregated with disease. These data indicate that the variant is very likely to be associated with disease. At least one publication reports experimental evidence evaluating an impact on protein function in vitro. The most pronounced variant effect results in 10%-<30% of normal protein expression (example, Yaguchi_2004). The following publications have been ascertained in the context of this evaluation (PMID: 14985373, 9215689, 9463336, 9683585, 10762295, 9241276, 9709921, 12112656, 12652570, 12050235, 16430712, 10730900, 15254225, 17766710, 11303512, 15044367, 21819486). ClinVar contains an entry for this variant (Variation ID: 16703). Based on the evidence outlined above, the variant was classified as pathogenic.

Labcorp Genetics (formerly Invitae), Labcorp
Classification: Pathogenic for Multiple endocrine neoplasia, type 1. Last evaluated: 2025-11-18. Review status: criteria provided, single submitter. Criteria: Invitae Variant Classification Sherloc (09022015). Collection method: clinical testing. Allele origin: germline.
Comment: This sequence change replaces aspartic acid, which is acidic and polar, with asparagine, which is neutral and polar, at codon 418 of the MEN1 protein (p.Asp418Asn). This variant is not present in population databases (gnomAD no frequency). This missense change has been observed in individual(s) with multiple endocrine neoplasia type 1 (PMID: 9463336, 10762295, 11303512, 11836268, 12050235, 12112656, 12652570, 17766710). It has also been observed to segregate with disease in related individuals. Invitae Evidence Modeling of clinical and family history, age, sex, and reported ancestry of multiple individuals with this MEN1 variant has been performed. This variant is expected to be pathogenic with a positive predictive value of at least 99%. This is a validated machine learning model that incorporates the clinical features of 1,366,787 individuals referred to our laboratory for MEN1 testing. ClinVar contains an entry for this variant (Variation ID: 16703). Invitae Evidence Modeling of protein sequence and biophysical properties (such as structural, functional, and spatial information, amino acid conservation, physicochemical variation, residue mobility, and thermodynamic stability) indicates that this missense variant is expected to disrupt MEN1 protein function with a positive predictive value of 95%. Experimental studies have shown that this missense change affects MEN1 function (PMID: 15254225, 21819486). For these reasons, this variant has been classified as Pathogenic.

Centre for Clinical Genetics and Genomic Diagnostics, Zealand University Hospital
Classification: Pathogenic. Last evaluated: 2024-12-05. Review status: criteria provided, single submitter. Criteria: ACMG Guidelines, 2015. Collection method: clinical testing. Allele origin: germline. Affected: yes.

Clinical Genetics Laboratory, Skane University Hospital Lund
Classification: Pathogenic for Multiple endocrine neoplasia, type 1. Last evaluated: 2024-11-26. Review status: criteria provided, single submitter. Criteria: ACMG Guidelines, 2015. Collection method: clinical testing. Allele origin: germline. Affected: yes.

Blueprint Genetics
Classification: Pathogenic for MEN1-related disorders. Last evaluated: 2024-10-22. Review status: criteria provided, single submitter. Criteria: ACMG Guidelines, 2015. Collection method: clinical testing. Allele origin: germline. Affected: yes. Observed: 3 variant alleles.

Baylor Genetics
Classification: Pathogenic for Multiple Endocrine Neoplasia Type 1. Last evaluated: 2023-08-21. Review status: criteria provided, single submitter. Criteria: ACMG Guidelines, 2015. Collection method: clinical testing. Allele origin: unknown.

Athena Diagnostics
Classification: Pathogenic. Last evaluated: 2023-02-20. Review status: criteria provided, single submitter. Criteria: Athena Diagnostics Criteria. Collection method: clinical testing. Allele origin: unknown.
Comment: This variant has been identified in multiple unrelated individuals with clinical features associated with this gene. This variant has not been reported in large, multi-ethnic general populations. (Genome Aggregation Database (gnomAD), Cambridge, MA (URL)) Assessment of experimental evidence suggests this variant results in abnormal protein function. (PMID: 21819486, 15254225)

Ambry Genetics
Classification: Pathogenic for Hereditary cancer-predisposing syndrome. Last evaluated: 2022-03-11. Review status: criteria provided, single submitter. Criteria: Ambry Variant Classification Scheme 2023. Collection method: clinical testing. Allele origin: germline.
Comment: The p.D418N pathogenic mutation (also known as c.1252G>A), located in coding exon 8 of the MEN1 gene, results from a G to A substitution at nucleotide position 1252. The aspartic acid at codon 418 is replaced by asparagine, an amino acid with highly similar properties. This pathogenic mutation was previously reported in two unrelated probands diagnosed with MEN1, with a history of parathyroid tumors and a carcinoid tumor, and was absent in 55 unrelated normal controls (Bassett et al. Am. J. Hum. Genet. 1998;62:232-244). This mutation was also seen to co-segregate with disease in a family with tumors of the parathyroid gland, endocrine pancreas, and anterior pituitary (Giraud et al. Am. J. Hum. Genet.1998 Aug;63(2):455-67), as well as in a family with parathyroid carcinoma, adrenal lesions, and pancreatic neuroendocrine tumors (Cinque L et al. Endocr Connect. 2017 Nov;6(8):886-891). In another study, this mutation is noted to be involved in the JunD-binding domains and is predicted to prevent menin's repressive action on JunD-mediated transcription (Turner et al. J Clin Endocrinol Metab. 2002;87:2688-2693). Furthermore, other functional studies have demonstrated reduced stability and expression of the menin protein compared with wild-type (Shimazu S et al. Cancer Sci. 2011 Nov;102(11):2097-102; Yaguchi Het al. Mol. Cell. Biol. 2004 Aug; 24(15):6569-80). This amino acid position is highly conserved in available vertebrate species. In addition, the in silico prediction for this alteration is inconclusive. Based on the supporting evidence, this alteration is interpreted as a disease-causing mutation.